The following is an entry in ClinVar:

ClinVar aggregate classification (germline): Likely pathogenic (1 of 4 stars; one submission).

Conditions:
Brody myopathy. Also called: BRODY DISEASE. Identifiers: Orphanet 53347, MedGen C1832918, MONDO:0010977, OMIM 601003.

Submission:

Labcorp Genetics (formerly Invitae), Labcorp
Classification: Likely pathogenic for Brody myopathy. Last evaluated: 2021-04-04. Review status: criteria provided, single submitter. Criteria: Invitae Variant Classification Sherloc (09022015). Collection method: clinical testing. Allele origin: germline.
Comment: In summary, the currently available evidence indicates that the variant is pathogenic, but additional data are needed to prove that conclusively. Therefore, this variant has been classified as Likely Pathogenic. Algorithms developed to predict the effect of sequence changes on RNA splicing suggest that this variant may disrupt the consensus splice site, but this prediction has not been confirmed by published transcriptional studies. This variant has not been reported in the literature in individuals with ATP2A1-related conditions. This variant is not present in population databases (ExAC no frequency). This sequence change affects a donor splice site in intron 8 of the ATP2A1 gene. It is expected to disrupt RNA splicing. Variants that disrupt the donor or acceptor splice site typically lead to a loss of protein function (PMID: 16199547), and loss-of-function variants in ATP2A1 are known to be pathogenic (PMID: 8841193, 10914677, 23911890).

Literature cited by the submitters: PubMed 16199547; PubMed 8841193; PubMed 10914677; PubMed 23911890.

NM_004320.6(ATP2A1):c.928+1dup

Gene: ATP2A1 (ATPase sarcoplasmic/endoplasmic reticulum Ca2+ transporting 1; plus strand). Cytogenetic location: 16p11.2.
Variant type: Duplication.
Coding change: c.928+1dup on transcript NM_004320.6 (MANE Select); the canonical splice donor site of the intron after coding-DNA position 928, one base duplicated (G; older notation c.928+1dupG).
Molecular consequence: splice donor variant.
Genome position (GRCh38, 1-based): chr16:28,887,723, G duplicated; the last of 2 consecutive G bases (chr16:28,887,722-28,887,723); duplicating either gives the same sequence. VCF-style (leftmost placement, unchanged base first): chr16-28887721-A-AG. GRCh37 (hg19) VCF-style: chr16-28899042-A-AG.
Other names: c.928+1dup (NM_173201.5); c.553+1dup (NM_001286075.2).
Identifiers: ClinVar variation 1509630 (VCV001509630.8), dbSNP rs2152204111, ClinGen allele CA2573152270.